The following is an entry in ClinVar:

ClinVar aggregate classification (germline): Uncertain significance. Review status: criteria provided, multiple submitters, no conflicts (2 of 4 stars). 3 submissions from 3 submitters: Uncertain significance (3). Last evaluated 2023-06-20.

Allele frequency attached by ClinVar (database versions not stated): gnomAD 0.00001; gnomAD exomes 0.00002; TOPMed 0.00002; ESP Exome Variant Server 0.00008.
gnomAD v4.1: 26 of 1,613,650 alleles (0.0016%); highest among the groups gnomAD compares: African/African-American, 0.0027%; no homozygotes.

Submissions (3):

Labcorp Genetics (formerly Invitae), Labcorp
Classification: Uncertain significance. Last evaluated: 2023-06-20. Review status: criteria provided, single submitter. Criteria: Invitae Variant Classification Sherloc (09022015). Collection method: clinical testing. Allele origin: germline.
Comment: ClinVar contains an entry for this variant (Variation ID: 1310696). This variant has not been reported in the literature in individuals affected with ITPR1-related conditions. This variant is not present in population databases (gnomAD no frequency). This sequence change replaces asparagine, which is neutral and polar, with histidine, which is basic and polar, at codon 2217 of the ITPR1 protein (p.Asn2217His). In summary, the available evidence is currently insufficient to determine the role of this variant in disease. Therefore, it has been classified as a Variant of Uncertain Significance. Advanced modeling of protein sequence and biophysical properties (such as structural, functional, and spatial information, amino acid conservation, physicochemical variation, residue mobility, and thermodynamic stability) performed at Invitae indicates that this missense variant is not expected to disrupt ITPR1 protein function.

GeneDx
Classification: Uncertain significance. Last evaluated: 2022-09-16. Review status: criteria provided, single submitter. Criteria: GeneDx Variant Classification Process June 2021. Collection method: clinical testing. Allele origin: germline. Affected: yes.
Comment: Not observed at significant frequency in large population cohorts (gnomAD); In silico analysis supports that this missense variant does not alter protein structure/function; Has not been previously published as pathogenic or benign to our knowledge

Revvity Omics, Revvity
Classification: Uncertain significance. Last evaluated: 2022-01-12. Review status: criteria provided, single submitter. Criteria: ACMG Guidelines, 2015. Collection method: clinical testing. Allele origin: germline.

NM_001378452.1(ITPR1):c.6838A>C (p.Asn2280His)

Gene: ITPR1 (inositol 1,4,5-trisphosphate receptor type 1; plus strand). Cytogenetic location: 3p26.1.
Variant type: single nucleotide variant.
Coding change: c.6838A>C on transcript NM_001378452.1 (MANE Select); coding-DNA position 6838, A replaced by C.
Protein change: p.Asn2280His; replaces asparagine 2280 with histidine.
Molecular consequence: missense variant.
Genome position (GRCh38, 1-based): chr3:4,795,094, A>C. VCF-style: chr3-4795094-A-C. GRCh37 (hg19) VCF-style: chr3-4836778-A-C.
Other names: c.6694A>C, p.Asn2232His (NM_001099952.4); c.6793A>C, p.Asn2265His (NM_001168272.2); c.6649A>C, p.Asn2217His (NM_002222.7); c.6649A>C (NM_002222.6); short protein forms N2217H, N2232H, N2265H, N2280H.
Identifiers: ClinVar variation 1310696 (VCV001310696.9), dbSNP rs368097378, ClinGen allele CA68832500.
Genomic context (GRCh38, chr3:4,795,094, plus strand): 5'-GCCTCACGCGGCTTTGCCTTTGTCTCTGCAGCCCAGCCCGTGTTGTACTGGTGTGCCCGC[A>C]ACATGTCTTTCTGGAGCAGCATTTCGTTTAACCTGGCCGTCCTGATGAACCTGCTGGTGG-3'
Protein context (NP_001365381.1, residues 2270-2290): AQPVLYWCAR[Asn2280His]MSFWSSISFN